The following is an entry in ClinVar:

ClinVar aggregate classification (germline): Uncertain significance (1 of 4 stars; one submission).

Conditions:
Macrocephaly-developmental delay syndrome (MRT41). Also called: INTELLECTUAL DEVELOPMENTAL DISORDER, AUTOSOMAL RECESSIVE 41. Identifiers: Orphanet 397612, MedGen C3810225, MONDO:0014289, OMIM 615637.

Allele frequency attached by ClinVar (database versions not stated): gnomAD 0.00003.
gnomAD v4.1: 42 of 1,609,586 alleles (0.0026%); highest among the groups gnomAD compares: East Asian, 0.011%; no homozygotes.

Submission:

Victorian Clinical Genetics Services, Murdoch Childrens Research Institute
Classification: Uncertain significance for Macrocephaly-developmental delay syndrome. Last evaluated: 2022-02-02. Review status: criteria provided, single submitter. Criteria: ACMG Guidelines, 2015. Collection method: clinical testing. Allele origin: germline. Inheritance: Autosomal recessive inheritance. Affected: yes.
Comment: Based on the classification scheme VCGS_Germline_v1.3.4, this variant is classified as VUS-3B. Following criteria are met: 0102 - Loss of function is a known mechanism of disease in this gene and is associated with intellectual disability 41 (MIM#615637). (I) 0106 - This gene is associated with autosomal recessive disease. (I) 0212 - Non-canonical splice site variant without proven consequence on splicing (no functional evidence available). (SP) 0251 - This variant is heterozygous. (I) 0304 - Variant is present in gnomAD <0.01 for a recessive condition (v2: 9 heterozygotes, 0 homozygotes). (SP) 0506 - Abnormal splicing is not predicted and nucleotide is poorly conserved. (SB) 0705 - No comparable splice site variants have previous evidence for pathogenicity. (I) 0807 - This variant has no previous evidence of pathogenicity. (I) 0905 - No published segregation evidence has been identified for this variant. (I) 1007 - No published functional evidence has been identified for this variant. (I) 1201 - Heterozygous variant detected in trans with a second pathogenic heterozygous variant (NM_007059.3:c.714_731dup; p.(Met241_Gln246dup)) in a recessive disease. (I) Legend: (SP) - Supporting pathogenic, (I) - Information, (SB) - Supporting benign

NM_007059.4(KPTN):c.1000-4G>A

Gene: KPTN (kaptin, actin binding protein; minus strand). Cytogenetic location: 19q13.32.
Variant type: single nucleotide variant.
Coding change: c.1000-4G>A on transcript NM_007059.4 (MANE Select); 4 bases into the intron before coding-DNA position 1000, G replaced by A.
Molecular consequence: intron variant.
Genome position (GRCh38, 1-based): chr19:47,476,718, C>T on the plus strand (G>A on the coding strand, the complement: KPTN is on the minus strand). VCF-style: chr19-47476718-C-T. GRCh37 (hg19) VCF-style: chr19-47979975-C-T.
Other names: c.832-4G>A (NM_001291296.2).
Identifiers: ClinVar variation 1805215 (VCV001805215.1), dbSNP rs368602408, ClinGen allele CA9540240.
Genomic context (GRCh38, chr19:47,476,718, plus strand): 5'-GTGCTGGGCCTCAGGAAGCCCCGACTCTGGGCCCCGGTACTTATAACACAGCAGTTCCTG[C>T]GGGGGTGAAGAATCAGGTCACACAGGTTGATGGGGGGACAGTGGAGGGAGGCCGGTGGGT-3'